The following is an entry in ClinVar:

NM_001242882.2(NAXD):c.906C>T (p.Ala302=)

Gene: NAXD (NAD(P)HX dehydratase; plus strand). Cytogenetic location: 13q34.
Variant type: single nucleotide variant.
Coding change: c.906C>T on transcript NM_001242882.2 (MANE Select); coding-DNA position 906, C replaced by T.
Protein change: p.Ala302=; no amino-acid change (alanine 302 retained).
Molecular consequence: synonymous variant. On other transcripts: missense variant (1), non-coding transcript variant (2).
Genome position (GRCh38, 1-based): chr13:110,638,444, C>T. VCF-style: chr13-110638444-C-T. GRCh37 (hg19) VCF-style: chr13-111290791-C-T.
Other names: c.960C>T, p.Ala320= (NM_001242881.2); c.630C>T, p.Ala210= (NM_001242883.2); c.1096C>T, p.Leu366Phe (NM_018210.4); short protein forms L366F.
Identifiers: ClinVar variation 1971066 (VCV001971066.5), dbSNP rs778057370, ClinGen allele CA7051453.
Genomic context (GRCh38, chr13:110,638,444, plus strand): 5'-CCCTCTCCTGGTGGCCGCGTTTGGCGCCTGCTCTCTCACCAGGCAGTGCAACCACCAAGC[C>T]TTCCAGAAGCACGGTCGCTCCACCACCACCTCCGACATGATCGCCGAGGTGGGGGCCGCC-3'
Protein context (NP_001229811.1, residues 292-312): CSLTRQCNHQ[Ala302=]FQKHGRSTTT

ClinVar aggregate classification (germline): Uncertain significance (1 of 4 stars; one submission).

Allele frequency attached by ClinVar (database versions not stated): TOPMed below 0.00001; ExAC 0.00001; gnomAD 0.00001; gnomAD exomes 0.00001.
gnomAD v4.1: 5 of 1,613,458 alleles (0.00031%); highest among the groups gnomAD compares: Admixed American, 0.0083%; no homozygotes.

Submission:

Labcorp Genetics (formerly Invitae), Labcorp
Classification: Uncertain significance. Last evaluated: 2022-08-15. Review status: criteria provided, single submitter. Criteria: Invitae Variant Classification Sherloc (09022015). Collection method: clinical testing. Allele origin: germline.
Comment: In summary, the available evidence is currently insufficient to determine the role of this variant in disease. Therefore, it has been classified as a Variant of Uncertain Significance. Algorithms developed to predict the effect of missense changes on protein structure and function output the following: SIFT: "Tolerated"; PolyPhen-2: "Benign"; Align-GVGD: "Class C0". The phenylalanine amino acid residue is found in multiple mammalian species, which suggests that this missense change does not adversely affect protein function. This variant has not been reported in the literature in individuals affected with NAXD-related conditions. This variant is present in population databases (rs778057370, gnomAD 0.009%). This sequence change replaces leucine, which is neutral and non-polar, with phenylalanine, which is neutral and non-polar, at codon 366 of the NAXD protein (p.Leu366Phe).